The following is an entry in ClinVar:

ClinVar aggregate classification (germline): Conflicting classifications of pathogenicity. Review status: criteria provided, conflicting classifications (1 of 4 stars). 3 submissions from 3 submitters: Likely pathogenic (1); Uncertain significance (2). Last evaluated 2022-07-19.

Conditions:
Pontocerebellar hypoplasia type 6 (PCH6). Identifiers: Orphanet 166073, MedGen C1969084, MONDO:0012683, OMIM 611523.

Allele frequency attached by ClinVar (database versions not stated): gnomAD 0.00001 and 0.00002.
gnomAD v4.1: 7 of 1,613,640 alleles (0.00043%); highest among the groups gnomAD compares: Admixed American, 0.005%; no homozygotes.

Submissions (3):

Labcorp Genetics (formerly Invitae), Labcorp
Classification: Uncertain significance. Last evaluated: 2022-07-19. Review status: criteria provided, single submitter. Criteria: Invitae Variant Classification Sherloc (09022015). Collection method: clinical testing. Allele origin: germline.
Comment: This sequence change replaces aspartic acid, which is acidic and polar, with asparagine, which is neutral and polar, at codon 173 of the RARS2 protein (p.Asp173Asn). This variant is present in population databases (no rsID available, gnomAD 0.006%). This variant has not been reported in the literature in individuals affected with RARS2-related conditions. ClinVar contains an entry for this variant (Variation ID: 1027513). Advanced modeling of protein sequence and biophysical properties (such as structural, functional, and spatial information, amino acid conservation, physicochemical variation, residue mobility, and thermodynamic stability) performed at Invitae indicates that this missense variant is expected to disrupt RARS2 protein function. Algorithms developed to predict the effect of sequence changes on RNA splicing suggest that this variant may disrupt the consensus splice site. In summary, the available evidence is currently insufficient to determine the role of this variant in disease. Therefore, it has been classified as a Variant of Uncertain Significance.

Baylor Genetics
Classification: Uncertain significance for Pontocerebellar hypoplasia type 6. Last evaluated: 2022-05-18. Review status: criteria provided, single submitter. Criteria: ACMG Guidelines, 2015. Collection method: clinical testing. Allele origin: unknown.

Molecular Medicine for Neurodegenerative and Neuromuscular Diseases Unit, IRCCS Fondazione Stella Maris
Classification: Likely pathogenic for Pontocerebellar hypoplasia type 6. Last evaluated: 2021-07-12. Review status: criteria provided, single submitter. Criteria: ACMG Guidelines, 2015. Collection method: research. Allele origin: inherited. Affected: yes.

NM_020320.5(RARS2):c.517G>A (p.Asp173Asn)

Gene: RARS2 (arginyl-tRNA synthetase 2, mitochondrial; minus strand). Cytogenetic location: 6q15.
Variant type: single nucleotide variant.
Coding change: c.517G>A on transcript NM_020320.5 (MANE Select); coding-DNA position 517, G replaced by A.
Protein change: p.Asp173Asn; replaces aspartic acid 173 with asparagine.
Molecular consequence: missense variant. On other transcripts: 5 prime UTR variant (7), non-coding transcript variant (15).
Genome position (GRCh38, 1-based): chr6:87,545,634, C>T on the plus strand (G>A on the coding strand, the complement: RARS2 is on the minus strand). VCF-style: chr6-87545634-C-T. GRCh37 (hg19) VCF-style: chr6-88255352-C-T.
Other names: c.-9G>A (NM_001318785.2, NM_001350506.2, NM_001350507.2 and 4 more transcripts); c.517G>A, p.Asp173Asn (NM_001350505.2); short protein forms D173N.
Identifiers: ClinVar variation 1027513 (VCV001027513.3), dbSNP rs769045045, ClinGen allele CA364932895.
Genomic context (GRCh38, chr6:87,545,634, plus strand): 5'-ATTTTACAATGAAATGAAAAATAAAATCTCAAGTGTACTTACCAAACTGCATGCCCCAAT[C>T]GCCAAGGTAATTTATTCTTATTACTTGATGTCCTAAAGCTTCTTTGAGATTTGCTATAAA-3'
Protein context (NP_064716.2, residues 163-183): HQVIRINYLG[Asp173Asn]WGMQFGLLGT